The following is an entry in ClinVar:

NM_000540.3(RYR1):c.10877A>G (p.Lys3626Arg)

Gene: RYR1 (ryanodine receptor 1; plus strand). Cytogenetic location: 19q13.2.
Variant type: single nucleotide variant.
Coding change: c.10877A>G on transcript NM_000540.3 (MANE Select); coding-DNA position 10877, A replaced by G.
Protein change: p.Lys3626Arg; replaces lysine 3626 with arginine.
Molecular consequence: missense variant.
Genome position (GRCh38, 1-based): chr19:38,528,358, A>G. VCF-style: chr19-38528358-A-G. GRCh37 (hg19) VCF-style: chr19-39018998-A-G.
Other names: c.10862A>G, p.Lys3621Arg (NM_001042723.2); short protein forms K3621R, K3626R.
Identifiers: ClinVar variation 3072901 (VCV003072901.2), dbSNP rs1971573140, ClinGen allele CA405649461.
Genomic context (GRCh38, chr19:38,528,358, plus strand): 5'-CTCCCCAGACCGAGCACCCTTACAAGTCTAAGAAGGCCGTGTGGCACAAGCTTTTGTCCA[A>G]ACAGCGCCGGCGGGCAGTCGTGGCCTGTTTCCGTATGACGCCCCTGTACAACCTGCCCAC-3'
Protein context (NP_000531.2, residues 3616-3636): KKAVWHKLLS[Lys3626Arg]QRRRAVVACF

ClinVar aggregate classification (germline): Uncertain significance. Review status: criteria provided, multiple submitters, no conflicts (2 of 4 stars). 2 submissions from 2 submitters: Uncertain significance (2). Last evaluated 2023-11-30.

Conditions:
Malignant hyperthermia, susceptibility to, 1 (MHS1). Also called: Anesthesia related hyperthermia; Malignant hyperpyrexia; Fulminating hyperpyrexia; Pharmacogenic myopathy; RYR1-Related Malignant Hyperthermia Susceptibility; Malignant hyperthermia suceptibility 1. Identifiers: Orphanet 423, MedGen C2930980, MONDO:0007783, OMIM 145600.

gnomAD v4.1: 4 of 1,614,056 alleles (0.00025%); highest among the groups gnomAD compares: Non-Finnish European, 0.00025%; no homozygotes.

Submissions (2):

All of Us Research Program, National Institutes of Health
Classification: Uncertain significance for Malignant hyperthermia, susceptibility to, 1. Last evaluated: 2023-11-30. Review status: criteria provided, single submitter. Criteria: ACMG Guidelines, 2015. Collection method: clinical testing. Allele origin: germline. Inheritance: Autosomal dominant inheritance. Observed: 2 variant alleles, 2 heterozygotes.
Comment: This missense variant replaces lysine with arginine at codon 3626 of the RYR1 protein. Computational prediction suggests that this variant may not impact protein structure and function (internally defined REVEL score threshold <= 0.5, PMID: 27666373). To our knowledge, functional studies have not been reported for this variant. This variant has not been reported in individuals affected with RYR1-related disorders in the literature. This variant has not been identified in the general population by the Genome Aggregation Database (gnomAD). The available evidence is insufficient to determine the role of this variant in disease conclusively. Therefore, this variant is classified as a Variant of Uncertain Significance.

This study involves interpretation of variants in research participants for the purpose of population health screening. Participant phenotype was not available at the time of variant classification. Additional details can be found in publication PMID: 35346344, PMCID: PMC8962531

Color Diagnostics, LLC DBA Color Health
Classification: Uncertain significance for Malignant hyperthermia, susceptibility to, 1. Last evaluated: 2023-07-26. Review status: criteria provided, single submitter. Criteria: ACMG Guidelines, 2015. Collection method: clinical testing. Allele origin: germline.
Comment: This missense variant replaces lysine with arginine at codon 3626 of the RYR1 protein. Computational prediction suggests that this variant may not impact protein structure and function. To our knowledge, functional studies have not been reported for this variant. This variant has not been reported in individuals affected with RYR1-related disorders in the literature. This variant has not been identified in the general population by the Genome Aggregation Database (gnomAD). The available evidence is insufficient to determine the role of this variant in disease conclusively. Therefore, this variant is classified as a Variant of Uncertain Significance.